The following is an entry in ClinVar:

NM_000492.4(CFTR):c.869+11C>T

Gene: CFTR (CF transmembrane conductance regulator; plus strand). Cytogenetic location: 7q31.2.
Variant type: single nucleotide variant.
Coding change: c.869+11C>T on transcript NM_000492.4 (MANE Select); 11 bases into the intron after coding-DNA position 869, C replaced by T.
Molecular consequence: intron variant.
Genome position (GRCh38, 1-based): chr7:117,536,684, C>T. VCF-style: chr7-117536684-C-T. GRCh37 (hg19) VCF-style: chr7-117176738-C-T.
Other names: p.?.
Identifiers: ClinVar variation 93159 (VCV000093159.78), dbSNP rs1800503, ClinGen allele CA146709.

ClinVar aggregate classification (germline): Benign. Review status: criteria provided, multiple submitters, no conflicts (2 of 4 stars). 16 submissions from 15 submitters: Benign (14). 2 of the submissions do not count toward it. Last evaluated 2026-02-04.

Conditions:
Cystic fibrosis (CF). Also called: MUCOVISCIDOSIS. Identifiers: Orphanet 586, MedGen C0010674, MONDO:0009061, OMIM 219700. Disease mechanism: loss of function.
CFTR-related disorder (CFTR-RD). Also called: CFTR-related disorders; CFTR-related condition. Identifiers: MedGen C5924204, MONDO:7770004.

Allele frequency attached by ClinVar (database versions not stated): 1000 Genomes Project 0.05032; 1000 Genomes Project 30x 0.05169; gnomAD exomes 0.06844 and 0.07683; ExAC 0.07192; TOPMed 0.07223; gnomAD 0.07396 and 0.07590; ESP Exome Variant Server 0.13036.
gnomAD v4.1: 122,778 of 1,604,710 alleles (7.7%); highest among the groups gnomAD compares: Middle Eastern, 10%; 4,922 homozygotes.

Submissions (16):

Labcorp Genetics (formerly Invitae), Labcorp
Classification: Benign for Cystic fibrosis. Last evaluated: 2026-02-04. Review status: criteria provided, single submitter. Criteria: Invitae Variant Classification Sherloc (09022015). Collection method: clinical testing. Allele origin: germline.

ARUP Laboratories, Molecular Genetics and Genomics, ARUP Laboratories
Classification: Benign. Last evaluated: 2025-07-31. Review status: criteria provided, single submitter. Criteria: ARUP Molecular Germline Variant Investigation Process 2024. Collection method: clinical testing. Allele origin: germline.

Blueprint Genetics
Classification: Benign. Last evaluated: 2024-11-27. Review status: criteria provided, single submitter. Criteria: ACMG Guidelines, 2015. Collection method: clinical testing. Allele origin: germline.

Mayo Clinic Laboratories, Mayo Clinic
Classification: Benign. Last evaluated: 2022-05-05. Review status: criteria provided, single submitter. Criteria: ACMG Guidelines, 2015. Collection method: clinical testing. Allele origin: germline. Observed: 77 variant alleles.

Genome Diagnostics Laboratory, The Hospital for Sick Children
Classification: Benign for Cystic fibrosis. Last evaluated: 2022-03-03. Review status: criteria provided, single submitter. Criteria: ACMG Guidelines, 2015. Collection method: clinical testing. Allele origin: germline.

Genome-Nilou Lab
Classification: Benign for Cystic fibrosis. Last evaluated: 2021-07-01. Review status: criteria provided, single submitter. Criteria: ACMG Guidelines, 2015. Collection method: clinical testing. Allele origin: germline. Affected: no.

GeneDx
Classification: Benign. Last evaluated: 2018-06-21. Review status: criteria provided, single submitter. Criteria: GeneDx Variant Classification Process June 2021. Collection method: clinical testing. Allele origin: germline. Affected: yes.

CFTR-France
Classification: Benign for cystic fibrosis. Last evaluated: 2018-01-29. Review status: criteria provided, single submitter. Criteria: Claustres M et al. (Hum Mutat 2017). Collection method: curation. Allele origin: germline. Affected: yes and no.
Comment: the variant does not result in CFTR-RD neither

Illumina Laboratory Services, Illumina
Classification: Benign for CFTR-Related Disorders. Last evaluated: 2018-01-13. Review status: criteria provided, single submitter. Criteria: ICSL Variant Classification Criteria 13 December 2019. Collection method: clinical testing. Allele origin: germline.
Comment: This variant was observed in the ICSL laboratory as part of a predisposition screen in an ostensibly healthy population. It had not been previously curated by ICSL or reported in the Human Gene Mutation Database (HGMD: prior to June 1st, 2018), and was therefore a candidate for classification through an automated scoring system. Utilizing variant allele frequency, disease prevalence and penetrance estimates, and inheritance mode, an automated score was calculated to assess if this variant is too frequent to cause the disease. Based on the score and internal cut-off values, a variant classified as benign is not then subjected to further curation. The score for this variant resulted in a classification of benign for this disease.

Eurofins Ntd Llc (ga)
Classification: Benign. Last evaluated: 2016-05-19. Review status: criteria provided, single submitter. Criteria: EGL Classification Definitions 2015. Collection method: clinical testing. Allele origin: germline. Observed: 155 variant alleles, 147 heterozygotes, 8 homozygotes.

Ambry Genetics
Classification: Benign for Cystic fibrosis. Last evaluated: 2014-11-19. Review status: criteria provided, single submitter. Criteria: Ambry Variant Classification Scheme 2023. Collection method: clinical testing. Allele origin: germline.

Laboratory for Molecular Medicine, Mass General Brigham Personalized Medicine
Classification: Benign. Last evaluated: 2013-02-21. Review status: criteria provided, single submitter. Criteria: LMM Criteria. Collection method: clinical testing. Allele origin: germline. Observed: 15 variant alleles.
Comment: 869+11C>T in intron 7 of CFTR: This variant is not expected to have clinical sig nificance because it is not located within the conserved splice consensus sequen ce. It has been identified in 16.3% (1400/8596) of European American chromosomes from a broad population by the NHLBI Exome Sequencing Project (dbSNP rs1800503).

Breakthrough Genomics
Classification: Benign. Review status: criteria provided, single submitter. Criteria: ACMG Guidelines, 2015. Collection method: not provided. Allele origin: germline. Inheritance: Autosomal recessive inheritance. Affected: yes.

PreventionGenetics, part of Exact Sciences
Classification: Benign. Review status: criteria provided, single submitter. Criteria: ACMG Guidelines, 2015. Collection method: clinical testing. Allele origin: germline.

Genome Diagnostics Laboratory, The Hospital for Sick Children
Classification: Benign for CFTR-related disorders. Last evaluated: 2022-03-03. Review status: no assertion criteria provided. Collection method: clinical testing. Allele origin: germline. Not counted in ClinVar's aggregate classification.

Natera, Inc.
Classification: Benign for Cystic Fibrosis. Last evaluated: 2020-09-16. Review status: no assertion criteria provided. Collection method: clinical testing. Allele origin: germline. Not counted in ClinVar's aggregate classification.